The following is an entry in ClinVar:

ClinVar aggregate classification (germline): Likely benign. Review status: criteria provided, multiple submitters, no conflicts (2 of 4 stars). 2 submissions from 2 submitters: Likely benign (2). Last evaluated 2015-12-22.

Conditions:
Charcot-Marie-Tooth disease. Also called: Charcot-Marie-Tooth Neuropathy; Charcot-Marie-Tooth Hereditary Neuropathy. Identifiers: Orphanet 166, MedGen C0007959, MONDO:0015626.

Allele frequency attached by ClinVar (database versions not stated): gnomAD exomes below 0.00001 and 0.00001; TOPMed below 0.00001; ExAC 0.00001.
gnomAD v4.1: 3 of 1,613,190 alleles (0.00019%); highest among the groups gnomAD compares: Admixed American, 0.0033%; no homozygotes.

Submissions (2):

GeneDx
Classification: Likely benign. Last evaluated: 2015-12-22. Review status: criteria provided, single submitter. Criteria: GeneDx Variant Classification (06012015). Collection method: clinical testing. Allele origin: germline. Affected: yes.
Comment: This variant is considered likely benign or benign based on one or more of the following criteria: it is a conservative change, it occurs at a poorly conserved position in the protein, it is predicted to be benign by multiple in silico algorithms, and/or has population frequency not consistent with disease.

Molecular Genetics Laboratory, London Health Sciences Centre
Classification: Likely benign for Charcot-Marie-Tooth disease. Review status: criteria provided, single submitter. Criteria: ACMG Guidelines, 2015. Collection method: clinical testing. Allele origin: germline. Affected: yes.

NM_001376.5(DYNC1H1):c.6619-19G>A

Gene: DYNC1H1 (dynein cytoplasmic 1 heavy chain 1; plus strand). Cytogenetic location: 14q32.31.
Variant type: single nucleotide variant.
Coding change: c.6619-19G>A on transcript NM_001376.5 (MANE Select); 19 bases into the intron before coding-DNA position 6619, G replaced by A.
Molecular consequence: intron variant.
Genome position (GRCh38, 1-based): chr14:102,011,856, G>A. VCF-style: chr14-102011856-G-A. GRCh37 (hg19) VCF-style: chr14-102478193-G-A.
Identifiers: ClinVar variation 382362 (VCV000382362.2), dbSNP rs747037096, ClinGen allele CA7352656.